The following is an entry in ClinVar:

NM_024422.6(DSC2):c.2498G>A (p.Arg833His)

Gene: DSC2 (desmocollin 2; minus strand). Cytogenetic location: 18q12.1.
Variant type: single nucleotide variant.
Coding change: c.2498G>A on transcript NM_024422.6 (MANE Select); coding-DNA position 2498, G replaced by A.
Protein change: p.Arg833His; replaces arginine 833 with histidine.
Molecular consequence: missense variant.
Genome position (GRCh38, 1-based): chr18:31,068,904, C>T on the plus strand (G>A on the coding strand, the complement: DSC2 is on the minus strand). VCF-style: chr18-31068904-C-T. GRCh37 (hg19) VCF-style: chr18-28648870-C-T.
Other names: p.R833H:CGT>CAT; c.2498G>A, p.Arg833His (NM_004949.5); short protein forms R833H.
Identifiers: ClinVar variation 46182 (VCV000046182.36), dbSNP rs370325533, ClinGen allele CA022752.

ClinVar aggregate classification (germline): Conflicting classifications of pathogenicity. Review status: criteria provided, conflicting classifications (1 of 4 stars). 11 submissions from 11 submitters: Uncertain significance (3); Likely benign (5). 3 of the submissions do not count toward it. Last evaluated 2026-01-27.

Conditions:
Cardiovascular phenotype. Identifiers: MedGen CN230736.
Cardiomyopathy (CMYO). Also called: Cardiomyopathies. Identifiers: Orphanet 167848, MedGen C0878544, MONDO:0004994, HP:0001638. Inheritance: Various modes of inheritance.
Arrhythmogenic right ventricular dysplasia 11. Also called: Arrhythmogenic Right Ventricular Dysplasia/Cardiomyopathy11; ARRHYTHMOGENIC RIGHT VENTRICULAR DYSPLASIA, FAMILIAL, 11; Arrhythmogenic right ventricular dysplasia 11 with mild palmoplantar keratoderma and woolly hair. Identifiers: MedGen C1864850, MONDO:0012506, OMIM 610476.

Allele frequency attached by ClinVar (database versions not stated): gnomAD exomes 0.00008 and 0.00015; 1000 Genomes Project 30x 0.00016; ExAC 0.00016; 1000 Genomes Project 0.00020; ESP Exome Variant Server 0.00031; gnomAD 0.00055 and 0.00061; TOPMed 0.00059.
gnomAD v4.1: 195 of 1,613,446 alleles (0.012%); highest among the groups gnomAD compares: African/African-American, 0.23%; no homozygotes.

Submissions (11):

Labcorp Genetics (formerly Invitae), Labcorp
Classification: Likely benign for Arrhythmogenic right ventricular dysplasia 11. Last evaluated: 2026-01-27. Review status: criteria provided, single submitter. Criteria: Invitae Variant Classification Sherloc (09022015). Collection method: clinical testing. Allele origin: germline.

Mayo Clinic Laboratories, Mayo Clinic
Classification: Likely benign. Last evaluated: 2025-10-03. Review status: criteria provided, single submitter. Criteria: ACMG Guidelines, 2015. Collection method: clinical testing. Allele origin: germline. Observed: 1 variant allele.
Comment: BS1, BP4

GeneDx
Classification: Uncertain significance. Last evaluated: 2025-03-05. Review status: criteria provided, single submitter. Criteria: GeneDx Variant Classification Process June 2021. Collection method: clinical testing. Allele origin: germline. Affected: yes.
Comment: In silico analysis supports that this missense variant has a deleterious effect on protein structure/function; This variant is associated with the following publications: (PMID: 21636032, 25351510)

Blueprint Genetics
Classification: Likely benign. Last evaluated: 2024-10-23. Review status: criteria provided, single submitter. Criteria: ACMG Guidelines, 2015. Collection method: clinical testing. Allele origin: germline.

Ambry Genetics
Classification: Likely benign for Cardiovascular phenotype. Last evaluated: 2019-02-28. Review status: criteria provided, single submitter. Criteria: Ambry Variant Classification Scheme 2023. Collection method: clinical testing. Allele origin: germline.

Color Diagnostics, LLC DBA Color Health
Classification: Likely benign for Cardiomyopathy. Last evaluated: 2018-11-04. Review status: criteria provided, single submitter. Criteria: ACMG Guidelines, 2015. Collection method: clinical testing. Allele origin: germline.

Fulgent Genetics
Classification: Uncertain significance for Arrhythmogenic right ventricular dysplasia 11. Last evaluated: 2017-05-23. Review status: criteria provided, single submitter. Criteria: ACMG Guidelines, 2015. Collection method: clinical testing. Allele origin: unknown.

Laboratory for Molecular Medicine, Mass General Brigham Personalized Medicine
Classification: Uncertain significance. Last evaluated: 2012-04-11. Review status: criteria provided, single submitter. Criteria: LMM Criteria. Collection method: clinical testing. Allele origin: germline. Observed: 1 variant allele.
Comment: The Arg833His variant (DSC2) has been identified in 3/3738 African American chro mosomes from a broad population by the NHLBI Exome Sequencing Project (s.) as well as in 1 of 854 control chromosomes (Kapplinger 2011). Computational analyses (biochemical amino acid properties, conservation, AlignGVGD, PolyPhen2, and SIFT) do not provide strong support for or against an impact to the protein. Additional information is needed to fully assess the clin ical significance of the Arg833His variant.

Clinical Genetics DNA and cytogenetics Diagnostics Lab, Erasmus MC, Erasmus Medical Center
Classification: Likely benign. Review status: no assertion criteria provided. Collection method: clinical testing. Allele origin: germline. Affected: yes. Study: VKGL Data-share Consensus. Not counted in ClinVar's aggregate classification.

Clinical Genetics, Academic Medical Center
Classification: Likely benign. Review status: no assertion criteria provided. Collection method: clinical testing. Allele origin: germline. Affected: yes. Study: VKGL Data-share Consensus. Not counted in ClinVar's aggregate classification.

Genome Diagnostics Laboratory, University Medical Center Utrecht
Classification: Likely benign. Review status: no assertion criteria provided. Collection method: clinical testing. Allele origin: germline. Affected: yes. Study: VKGL Data-share Consensus. Not counted in ClinVar's aggregate classification.

Literature cited by the submitters: PubMed 21636032 (cited by Laboratory for Molecular Medicine, Mass General Brigham Personalized Medicine).